The following is an entry in ClinVar:

ClinVar aggregate classification (germline): Uncertain significance (1 of 4 stars; one submission).

Allele frequency attached by ClinVar (database versions not stated): TOPMed below 0.00001; gnomAD exomes 0.00001; ExAC 0.00004.
gnomAD v4.1: 15 of 1,614,220 alleles (0.00093%); highest among the groups gnomAD compares: Middle Eastern, 0.016%; no homozygotes.

Submission:

Labcorp Genetics (formerly Invitae), Labcorp
Classification: Uncertain significance. Last evaluated: 2022-04-03. Review status: criteria provided, single submitter. Criteria: Invitae Variant Classification Sherloc (09022015). Collection method: clinical testing. Allele origin: germline.
Comment: This sequence change replaces leucine, which is neutral and non-polar, with isoleucine, which is neutral and non-polar, at codon 754 of the DUOX2 protein (p.Leu754Ile). This variant is present in population databases (rs770655152, gnomAD 0.005%). This variant has not been reported in the literature in individuals affected with DUOX2-related conditions. Advanced modeling of protein sequence and biophysical properties (such as structural, functional, and spatial information, amino acid conservation, physicochemical variation, residue mobility, and thermodynamic stability) performed at Invitae indicates that this missense variant is not expected to disrupt DUOX2 protein function. In summary, the available evidence is currently insufficient to determine the role of this variant in disease. Therefore, it has been classified as a Variant of Uncertain Significance.

NM_001363711.2(DUOX2):c.2260C>A (p.Leu754Ile)

Gene: DUOX2 (dual oxidase 2; minus strand). Cytogenetic location: 15q21.1.
Variant type: single nucleotide variant.
Coding change: c.2260C>A on transcript NM_001363711.2 (MANE Select); coding-DNA position 2260, C replaced by A.
Protein change: p.Leu754Ile; replaces leucine 754 with isoleucine.
Molecular consequence: missense variant.
Genome position (GRCh38, 1-based): chr15:45,105,717, G>T on the plus strand (C>A on the coding strand, the complement: DUOX2 is on the minus strand). VCF-style: chr15-45105717-G-T. GRCh37 (hg19) VCF-style: chr15-45397915-G-T.
Other names: c.2260C>A, p.Leu754Ile (NM_014080.5); short protein forms L754I.
Identifiers: ClinVar variation 2176160 (VCV002176160.1), dbSNP rs770655152, ClinGen allele CA7538314.